The following is an entry in ClinVar:

NM_001379286.1(ZNF423):c.3828C>T (p.Phe1276=)

Gene: ZNF423 (zinc finger protein 423; minus strand). Cytogenetic location: 16q12.1.
Variant type: single nucleotide variant.
Coding change: c.3828C>T on transcript NM_001379286.1 (MANE Select); coding-DNA position 3828, C replaced by T.
Protein change: p.Phe1276=; no amino-acid change (phenylalanine 1276 retained).
Molecular consequence: synonymous variant.
Genome position (GRCh38, 1-based): chr16:49,523,645, G>A on the plus strand (C>T on the coding strand, the complement: ZNF423 is on the minus strand). VCF-style: chr16-49523645-G-A. GRCh37 (hg19) VCF-style: chr16-49557556-G-A.
Other names: c.3624C>T, p.Phe1208= (NM_001271620.2); c.3453C>T, p.Phe1151= (NM_001330533.2); c.3804C>T, p.Phe1268= (NM_015069.5).
Identifiers: ClinVar variation 3067547 (VCV003067547.21), dbSNP rs2506703992, ClinGen allele CA495189586.

ClinVar aggregate classification (germline): Uncertain significance (1 of 4 stars; one submission).

Submission:

CeGaT Center for Human Genetics Tuebingen
Classification: Uncertain significance. Last evaluated: 2024-03-01. Review status: criteria provided, single submitter. Criteria: CeGaT Center For Human Genetics Tuebingen Variant Classification Criteria Version 2. Collection method: clinical testing. Allele origin: germline. Affected: yes. Observed: 1 variant allele.
Comment: ZNF423: PM2:Supporting, BP4